The following is an entry in ClinVar:

ClinVar aggregate classification (germline): Pathogenic (1 of 4 stars; one submission).

Conditions:
Autosomal recessive nonsyndromic hearing loss 48. Also called: Deafness, autosomal recessive 48; Usher Syndrome Type 1J. Identifiers: Orphanet 231169, Orphanet 886, Orphanet 90636, MedGen C1836199, MONDO:0012273, OMIM 609439.

Submission:

Institute of Rare Diseases, West China Hospital, Sichuan University
Classification: Pathogenic for Autosomal recessive nonsyndromic hearing loss 48. Last evaluated: 2025-01-09. Review status: criteria provided, single submitter. Criteria: ClinGen HL ACMG Specifications v1. Collection method: research. Allele origin: germline. Affected: yes.
Comment: PVS1;PM3_Supporting;PM2_Supporting

NM_006383.4(CIB2):c.530del (p.Pro177fs)

Gene: CIB2 (calcium and integrin binding family member 2; minus strand). Cytogenetic location: 15q25.1.
Variant type: Deletion.
Coding change: c.530del on transcript NM_006383.4 (MANE Select); coding-DNA position 530, one base deleted (C; older notation c.530delC).
Protein change: p.Pro177fs; shifts the reading frame from proline 177.
Molecular consequence: frameshift variant. On other transcripts: non-coding transcript variant (1).
Genome position (GRCh38, 1-based): chr15:78,105,751, G deleted on the plus strand (C on the coding strand, the reverse complement: CIB2 is on the minus strand); the first of 4 consecutive G bases (chr15:78,105,751-78,105,754); deleting any one gives the same sequence. VCF-style (leftmost placement, unchanged base first): chr15-78105750-AG-A. GRCh37 (hg19) VCF-style: chr15-78398092-AG-A.
Other names: c.401del, p.Pro134fs (NM_001271888.2); c.383del, p.Pro128fs (NM_001271889.2); c.545del, p.Pro182fs (NM_001301224.2); short protein forms P128fs, P134fs, P177fs, P182fs.
Identifiers: ClinVar variation 3601911 (VCV003601911.1).